The following is an entry in ClinVar:

ClinVar aggregate classification (germline): Pathogenic (1 of 4 stars; one submission).

Conditions:
Pendred syndrome (PDS). Also called: Pendred Syndrome (PDS); DEAFNESS WITH GOITER; GOITER-DEAFNESS SYNDROME; HYPOTHYROIDISM, CONGENITAL, DUE TO DYSHORMONOGENESIS, 2B; THYROID DYSHORMONOGENESIS 2B; THYROID HORMONOGENESIS, GENETIC DEFECT IN, 2B. Identifiers: Orphanet 705, MedGen C0271829, MONDO:0010134, OMIM 274600.

Submission:

Myriad Genetics, Inc.
Classification: Pathogenic for Pendred syndrome. Last evaluated: 2025-03-07. Review status: criteria provided, single submitter. Criteria: Myriad Autosomal Dominant, Autosomal Recessive and X-Linked Classification Criteria (2023). Collection method: clinical testing. Allele origin: unknown.
Comment: NM_000441.1(SLC26A4):c.1750_1751insT(A584Vfs*24) is expected to be pathogenic in the context of Pendred syndrome. This variant is predicted to lead to an abnormal or absent protein product due to the creation of a premature termination codon in SLC26A4, a gene where loss-of-function variants are known to be pathogenic. Please note: this variant was assessed in the context of healthy population screening.

NM_000441.2(SLC26A4):c.1750_1751insT (p.Ala584fs)

Gene: SLC26A4 (solute carrier family 26 member 4; plus strand). Cytogenetic location: 7q22.3.
Variant type: Insertion.
Coding change: c.1750_1751insT on transcript NM_000441.2 (MANE Select); coding-DNA positions 1750 to 1751, T inserted.
Protein change: p.Ala584fs; shifts the reading frame from alanine 584.
Molecular consequence: frameshift variant.
Genome position: GRCh38 VCF-style: chr7-107701143-G-GT. GRCh37 (hg19) VCF-style: chr7-107341588-G-GT.
Other names: short protein forms A584fs.
Identifiers: ClinVar variation 5014187 (VCV005014187.1).